The following is an entry in ClinVar:

NM_170682.4(P2RX2):c.645C>A (p.Ile215=)

Gene: P2RX2 (purinergic receptor P2X 2; plus strand). Cytogenetic location: 12q24.33.
Variant type: single nucleotide variant.
Coding change: c.645C>A on transcript NM_170682.4 (MANE Select); coding-DNA position 645, C replaced by A.
Protein change: p.Ile215=; no amino-acid change (isoleucine 215 retained).
Molecular consequence: synonymous variant. On other transcripts: missense variant (1).
Genome position (GRCh38, 1-based): chr12:132,620,454, C>A. VCF-style: chr12-132620454-C-A. GRCh37 (hg19) VCF-style: chr12-133197040-C-A.
Other names: c.538C>A, p.Arg180Ser (NM_001282164.2); c.645C>A, p.Ile215= (NM_001282165.2, NM_170683.4, NM_174873.3); c.429C>A, p.Ile143= (NM_012226.5); c.573C>A, p.Ile191= (NM_016318.4); c.369C>A, p.Ile123= (NM_174872.3); short protein forms R180S.
Identifiers: ClinVar variation 5000761 (VCV005000761.1).

ClinVar aggregate classification (germline): Uncertain significance (1 of 4 stars; one submission).

Conditions:
P2RX2-related disorder. Also called: P2RX2-related condition.

Submission:

PreventionGenetics, part of Exact Sciences
Classification: Uncertain significance for P2RX2-related condition. Last evaluated: 2025-07-17. Review status: criteria provided, single submitter. Criteria: ACMG Guidelines, 2015. Collection method: clinical testing. Allele origin: germline.
Comment: The P2RX2 c.538C>A variant is predicted to result in the amino acid substitution p.Arg180Ser. To our knowledge, this variant has not been reported in the literature or in a large population database (gnomAD), indicating this variant is rare. At this time, the clinical significance of this variant is uncertain due to the absence of conclusive functional and genetic evidence.